The following is an entry in ClinVar:

NM_004304.5(ALK):c.2487+4T>A

Gene: ALK (ALK receptor tyrosine kinase; minus strand). Cytogenetic location: 2p23.2.
Variant type: single nucleotide variant.
Coding change: c.2487+4T>A on transcript NM_004304.5 (MANE Select); 4 bases into the intron after coding-DNA position 2487, T replaced by A.
Molecular consequence: intron variant.
Genome position (GRCh38, 1-based): chr2:29,233,561, A>T on the plus strand (T>A on the coding strand, the complement: ALK is on the minus strand). VCF-style: chr2-29233561-A-T. GRCh37 (hg19) VCF-style: chr2-29456427-A-T.
Other names: c.2487+4T>A (NM_004304.4).
Identifiers: ClinVar variation 2077158 (VCV002077158.6), dbSNP rs368430854, ClinGen allele CA2576925533.
Genomic context (GRCh38, chr2:29,233,561, plus strand): 5'-TCATGAGGCTCTGACATTGCAGATGCACAGGAACCTGGTGGAAATCTGGCAGCACACACC[A>T]TACCTTAAATACGTAGGTGGCTCCACCCCCTCCTCCTCCGCCTCCTGCCCACTCATGCAC-3'

ClinVar aggregate classification (germline): Conflicting classifications of pathogenicity. Review status: criteria provided, conflicting classifications (1 of 4 stars). 3 submissions from 3 submitters: Uncertain significance (2); Likely benign (1). Last evaluated 2026-06-12.

Conditions:
Hereditary cancer-predisposing syndrome. Also called: Hereditary neoplastic syndrome; Tumor predisposition; Hereditary Cancer Syndrome; Neoplastic Syndromes, Hereditary. Identifiers: Orphanet 140162, MedGen C0027672, MeSH D009386, MONDO:0015356.
Neuroblastoma, susceptibility to, 3. Also called: ALK-Related Neuroblastic Tumor Susceptibility. Identifiers: Orphanet 635, MedGen C2751681, MONDO:0013083, OMIM 613014.

gnomAD v4.1: 11 of 1,614,144 alleles (0.00068%); highest among the groups gnomAD compares: Non-Finnish European, 0.00085%; no homozygotes.

Submissions (3):

Ambry Genetics
Classification: Uncertain significance for Hereditary cancer-predisposing syndrome. Last evaluated: 2026-06-12. Review status: criteria provided, single submitter. Criteria: Ambry Variant Classification Scheme 2023. Collection method: clinical testing. Allele origin: germline.
Comment: The c.2487+4T>A intronic variant results from a T to A substitution 4 nucleotides after coding exon 14 in the ALK gene. This nucleotide position is poorly conserved in available vertebrate species. In silico splice site analysis predicts that this alteration will not have any significant effect on splicing. Based on the available evidence, the clinical significance of this variant remains unclear.

Labcorp Genetics (formerly Invitae), Labcorp
Classification: Uncertain significance for Neuroblastoma, susceptibility to, 3. Last evaluated: 2025-03-07. Review status: criteria provided, single submitter. Criteria: Invitae Variant Classification Sherloc (09022015). Collection method: clinical testing. Allele origin: germline.
Comment: This sequence change falls in intron 14 of the ALK gene. It does not directly change the encoded amino acid sequence of the ALK protein. It affects a nucleotide within the consensus splice site. This variant is not present in population databases (gnomAD no frequency). This variant has not been reported in the literature in individuals affected with ALK-related conditions. ClinVar contains an entry for this variant (Variation ID: 2077158). Variants that disrupt the consensus splice site are a relatively common cause of aberrant splicing (PMID: 17576681, 9536098). Algorithms developed to predict the effect of sequence changes on RNA splicing suggest that this variant is not likely to affect RNA splicing. In summary, the available evidence is currently insufficient to determine the role of this variant in disease. Therefore, it has been classified as a Variant of Uncertain Significance.

Blueprint Genetics
Classification: Likely benign. Last evaluated: 2020-04-21. Review status: criteria provided, single submitter. Criteria: ACMG Guidelines, 2015. Collection method: clinical testing. Allele origin: germline.

Literature cited by the submitters: PubMed 17576681 (cited by Labcorp Genetics (formerly Invitae), Labcorp); PubMed 9536098 (cited by Labcorp Genetics (formerly Invitae), Labcorp).